The following is an entry in ClinVar:

ClinVar aggregate classification (germline): Benign/Likely benign. Review status: criteria provided, multiple submitters, no conflicts (2 of 4 stars). 2 submissions from 2 submitters: Benign (1); Likely benign (1). Last evaluated 2025-03-04.

Allele frequency attached by ClinVar (database versions not stated): 1000 Genomes Project 0.00300; gnomAD exomes 0.00330 and 0.00434; gnomAD 0.00348 and 0.00363; 1000 Genomes Project 30x 0.00359; ExAC 0.00501.
gnomAD v4.1: 5,041 of 1,518,828 alleles (0.33%); highest among the groups gnomAD compares: South Asian, 0.61%; 3 homozygotes.

Submissions (2):

Center for Genomic Medicine, Rigshospitalet, Copenhagen University Hospital
Classification: Likely benign. Last evaluated: 2025-03-04. Review status: criteria provided, single submitter. Criteria: ACMG Guidelines, 2015. Collection method: clinical testing. Allele origin: germline.

CeGaT Center for Human Genetics Tuebingen
Classification: Benign. Last evaluated: 2023-01-01. Review status: criteria provided, single submitter. Criteria: CeGaT Center For Human Genetics Tuebingen Variant Classification Criteria Version 2. Collection method: clinical testing. Allele origin: germline. Affected: yes. Observed: 11 variant alleles.
Comment: NF1: BS1, BS2

NM_001042492.3(NF1):c.6148-30T>A

Gene: NF1 (neurofibromin 1; plus strand). Cytogenetic location: 17q11.2.
Variant type: single nucleotide variant.
Coding change: c.6148-30T>A on transcript NM_001042492.3 (MANE Select); 30 bases into the intron before coding-DNA position 6148, T replaced by A.
Molecular consequence: intron variant.
Genome position (GRCh38, 1-based): chr17:31,336,605, T>A. VCF-style: chr17-31336605-T-A. GRCh37 (hg19) VCF-style: chr17-29663623-T-A.
Other names: c.6085-30T>A (NM_000267.4).
Identifiers: ClinVar variation 1697590 (VCV001697590.35), dbSNP rs199874130, ClinGen allele CA8487310.